The following is an entry in ClinVar:

ClinVar aggregate classification (germline): Likely pathogenic (1 of 4 stars; one submission).

Conditions:
GM1 gangliosidosis. Identifiers: Orphanet 354, MedGen C0085131, MONDO:0018149.

Submission:

Victorian Clinical Genetics Services, Murdoch Childrens Research Institute
Classification: Likely pathogenic for GM1 gangliosidosis. Last evaluated: 2024-11-21. Review status: criteria provided, single submitter. Criteria: ACMG Guidelines, 2015. Collection method: clinical testing. Allele origin: germline. Affected: no.
Comment: This variant is classified as Likely pathogenic. Evidence in support of pathogenic classification: Variant is absent from gnomAD (v2, v3 and v4); Another missense variant comparable to the one identified in this case has limited previous evidence for pathogenicity. p.(Pro124Arg) has been reported once in an individual with severe mucopolysaccharidosis (PMID: 34813777). Additional information: This variant is heterozygous; This gene is associated with autosomal recessive disease; This variant has no previous evidence of pathogenicity; No published segregation evidence has been identified for this variant; No published functional evidence has been identified for this variant; Variant is located in the annotated glycosyl hydrolases family 35 domain (NCBI); Loss of function is a known mechanism of disease in this gene and is associated with GM1 gangliosidosis (MONDO#0018149).

Literature cited by the submitters: PubMed 34813777.

NM_000404.4(GLB1):c.370C>T (p.Pro124Ser)

Gene: GLB1 (galactosidase beta 1; minus strand). Cytogenetic location: 3p22.3.
Variant type: single nucleotide variant.
Coding change: c.370C>T on transcript NM_000404.4 (MANE Select); coding-DNA position 370, C replaced by T.
Protein change: p.Pro124Ser; replaces proline 124 with serine.
Molecular consequence: missense variant. On other transcripts: intron variant (1).
Genome position (GRCh38, 1-based): chr3:33,068,846, G>A on the plus strand (C>T on the coding strand, the complement: GLB1 is on the minus strand). VCF-style: chr3-33068846-G-A. GRCh37 (hg19) VCF-style: chr3-33110338-G-A.
Other names: c.280C>T, p.Pro94Ser (NM_001079811.3); c.514C>T, p.Pro172Ser (NM_001317040.2); c.370C>T, p.Pro124Ser (NM_001393580.1); c.246-3289C>T (NM_001135602.3); short protein forms P124S, P172S, P94S.
Identifiers: ClinVar variation 4531892 (VCV004531892.1).
Genomic context (GRCh38, chr3:33,068,846, plus strand): 5'-CACACCAGGTAGAGCCCAGTCTAGCCACACTCACCATTTCCCACTCTGCACAGATGTAGG[G>A]CCCGGGCCTCAGGATAACCAGCAGTCCCAGCTCATGAGCCAGCCGAAGAAAATATTCCAC-3'
Protein context (NP_000395.3, residues 114-134): LGLLVILRPG[Pro124Ser]YICAEWEMGG